The following is an entry in ClinVar:

ClinVar aggregate classification (germline): Uncertain significance (1 of 4 stars; one submission).

Submission:

GeneDx
Classification: Uncertain significance. Last evaluated: 2025-07-11. Review status: criteria provided, single submitter. Criteria: GeneDx Variant Classification Process June 2021. Collection method: clinical testing. Allele origin: germline. Affected: yes.
Comment: Not observed at significant frequency in large population cohorts (gnomAD); In silico analysis suggests that this missense variant does not alter protein structure/function; Has not been previously published as pathogenic or benign to our knowledge

NM_177438.3(DICER1):c.3803T>C (p.Ile1268Thr)

Gene: DICER1 (dicer 1, ribonuclease III; minus strand). Cytogenetic location: 14q32.13.
Variant type: single nucleotide variant.
Coding change: c.3803T>C on transcript NM_177438.3 (MANE Select); coding-DNA position 3803, T replaced by C.
Protein change: p.Ile1268Thr; replaces isoleucine 1268 with threonine.
Molecular consequence: missense variant. On other transcripts: non-coding transcript variant (6).
Genome position (GRCh38, 1-based): chr14:95,103,593, A>G on the plus strand (T>C on the coding strand, the complement: DICER1 is on the minus strand). VCF-style: chr14-95103593-A-G. GRCh37 (hg19) VCF-style: chr14-95569930-A-G.
Other names: c.3803T>C, p.Ile1268Thr (NM_001395683.1, NM_001395684.1, NM_001395692.1 and 12 more transcripts); c.3521T>C, p.Ile1174Thr (NM_001395686.1); c.3398T>C, p.Ile1133Thr (NM_001395687.1, NM_001395688.1, NM_001395689.1 and 2 more transcripts); c.3236T>C, p.Ile1079Thr (NM_001395691.1); c.2120T>C, p.Ile707Thr (NM_001395697.1); short protein forms I1079T, I1133T, I1174T, I1268T, I707T.
Identifiers: ClinVar variation 4685042 (VCV004685042.1).